The following is an entry in ClinVar:

ClinVar aggregate classification (germline): Pathogenic/Likely pathogenic. Review status: criteria provided, multiple submitters, no conflicts (2 of 4 stars). 3 submissions from 3 submitters: Pathogenic (1); Likely pathogenic (2). Last evaluated 2024-12-23.
ClinVar aggregate classification (somatic clinical impact): Tier I - Strong (1 of 4 stars; one submission).

Conditions:
Hereditary cancer-predisposing syndrome. Also called: Hereditary Cancer Syndrome; Neoplastic Syndromes, Hereditary; Hereditary neoplastic syndrome; Tumor predisposition. Identifiers: Orphanet 140162, MedGen C0027672, MeSH D009386, MONDO:0015356.
Retinoblastoma (RB1). Also called: RETINOBLASTOMA, SOMATIC. Identifiers: Orphanet 790, MedGen C0035335, MeSH D012175, MONDO:0008380, OMIM 180200, HP:0009919. Disease mechanism: loss of function. Inheritance: Both sporadic and heritable forms are tested..

Submissions (4):

Institute for Genomic Medicine (IGM) Clinical Laboratory, Nationwide Children's Hospital
Classification: Tier I - Strong for Retinoblastoma. Assertion type: diagnostic. Clinical significance: supports diagnosis. Last evaluated: 2025-01-31. Review status: criteria provided, single submitter. Criteria: AMP/ASCO/CAP Guidelines, 2017. Collection method: clinical testing. Allele origin: somatic. Affected: yes.
Comment: Variant has Tier I (strong) clinical significance as a diagnostic inclusion criterion in retinoblastoma, based on the following evidence: 1) Documented in one or more cancer databases (e.g., St. Jude Pecan, COSMIC, CIViC, OncoKB). 2) Appears in one or more well-established professional guidelines (e.g., World Health Organization [WHO]; National Comprehensive Cancer Network [NCCN]) as providing diagnostic, prognostic, or therapeutic information. 3) Diagnostic for a specific tumor type/classification according to professional guidelines (Evidence Level A; PMIDs: 24688104, 27126562, 2601691, 33466343, 28575107).

Labcorp Genetics (formerly Invitae), Labcorp
Classification: Pathogenic for Retinoblastoma. Last evaluated: 2024-12-23. Review status: criteria provided, single submitter. Criteria: Invitae Variant Classification Sherloc (09022015). Collection method: clinical testing. Allele origin: germline.
Comment: This sequence change replaces aspartic acid, which is acidic and polar, with glycine, which is neutral and non-polar, at codon 286 of the RB1 protein (p.Asp286Gly). This variant is not present in population databases (gnomAD no frequency). This missense change has been observed in individual(s) with retinoblastoma (PMID: 23532519; internal data). In at least one individual the variant was observed to be de novo. ClinVar contains an entry for this variant (Variation ID: 428682). Invitae Evidence Modeling of protein sequence and biophysical properties (such as structural, functional, and spatial information, amino acid conservation, physicochemical variation, residue mobility, and thermodynamic stability) has been performed for this missense variant. However, the output from this modeling did not meet the statistical confidence thresholds required to predict the impact of this variant on RB1 protein function. Algorithms developed to predict the effect of sequence changes on RNA splicing suggest that this variant may disrupt the consensus splice site. For these reasons, this variant has been classified as Pathogenic.

Genetic Diagnostic Laboratory, University of Pennsylvania School of Medicine
Classification: Likely pathogenic for Retinoblastoma. Last evaluated: 2024-05-20. Review status: criteria provided, single submitter. Criteria: ACMG Guidelines, 2015. Collection method: clinical testing. Allele origin: germline. Affected: yes. Observed: 1 variant allele.
Comment: Case and Pedigree Information: BILATERAL CASES:1, UNILATERAL CASES:0, TOTAL CASES:1, PEDIGREES:1. ACMG Codes Applied:PM2

Ambry Genetics
Classification: Likely pathogenic for Hereditary cancer-predisposing syndrome. Last evaluated: 2015-08-05. Review status: criteria provided, single submitter. Criteria: Ambry Autosomal Dominant and X-Linked criteria (10/2015). Collection method: clinical testing. Allele origin: germline. Observed: 1 variant allele.
Comment: Ã¢â‚¬â€¹The p.D286G variant (also known as c.857A>G) is located in coding exon 8 of the RB1 gene. This alteration results from an A to G substitution at nucleotide position 857. The aspartic acid at codon 286 is replaced by glycine, an amino acid with similar properties. This variant co-segregated with disease in 3 individuals from one family tested in our laboratory (Ambry internal data). Based on protein sequence alignment, this amino acid position is highly conserved in available vertebrate species. In addition, <span style="font-family:arial,sans-serif; font-size:10pt">the <span style="font-family:arial,sans-serif">in silico prediction for this alteration is inconclusive. Using the HSF and ESEfinder splice site prediction tools, this alteration is predicted to create a new alternate splice donor site; however, direct evidence is unavailable. Based on the majority of available evidence to date, this variant is likely to be pathogenic.

Literature cited by the submitters: PubMed 24688104 (cited by Institute for Genomic Medicine (IGM) Clinical Laboratory, Nationwide Children's Hospital); PubMed 27126562 (cited by Institute for Genomic Medicine (IGM) Clinical Laboratory, Nationwide Children's Hospital); PubMed 2601691 (cited by Institute for Genomic Medicine (IGM) Clinical Laboratory, Nationwide Children's Hospital); PubMed 33466343 (cited by Institute for Genomic Medicine (IGM) Clinical Laboratory, Nationwide Children's Hospital); PubMed 28575107 (cited by Institute for Genomic Medicine (IGM) Clinical Laboratory, Nationwide Children's Hospital); PubMed 23532519 (cited by Labcorp Genetics (formerly Invitae), Labcorp and Ambry Genetics).

NM_000321.3(RB1):c.857A>G (p.Asp286Gly)

Gene: RB1 (RB transcriptional corepressor 1; plus strand). Cytogenetic location: 13q14.2.
Variant type: single nucleotide variant.
Coding change: c.857A>G on transcript NM_000321.3 (MANE Select); coding-DNA position 857, A replaced by G.
Protein change: p.Asp286Gly; replaces aspartic acid 286 with glycine.
Molecular consequence: missense variant.
Genome position (GRCh38, 1-based): chr13:48,362,953, A>G. VCF-style: chr13-48362953-A-G. GRCh37 (hg19) VCF-style: chr13-48937089-A-G.
Other names: short protein forms D286G.
Identifiers: ClinVar variation 428682 (VCV000428682.13), dbSNP rs1131690864, ClinGen allele CA388159708.
Genomic context (GRCh38, chr13:48,362,953, plus strand): 5'-AACTAGAAAATGATACAAGAATTATTGAAGTTCTCTGTAAAGAACATGAATGTAATATAG[A>G]TGAGGTAATTTAACTTCATGATTTCTTTAAAACAGTTAAAGTAGATTTAGATGTAAGTTC-3'
Protein context (NP_000312.2, residues 276-296): VLCKEHECNI[Asp286Gly]EVKNVYFKNF